The following is an entry in ClinVar:

ClinVar aggregate classification (germline): Conflicting classifications of pathogenicity. Review status: criteria provided, conflicting classifications (1 of 4 stars). 3 submissions from 3 submitters: Uncertain significance (1); Likely benign (2). Last evaluated 2022-08-01.

Conditions:
Vitreoretinopathy. Also called: Vitreoretinal degeneration. Identifiers: MedGen C0344290, MONDO:0020248, HP:0007773.

Allele frequency attached by ClinVar (database versions not stated): gnomAD exomes below 0.00001 and 0.00001; gnomAD 0.00001; TOPMed 0.00003.
gnomAD v4.1: 7 of 1,613,892 alleles (0.00043%); highest among the groups gnomAD compares: Non-Finnish European, 0.00059%; no homozygotes.

Submissions (3):

CeGaT Center for Human Genetics Tuebingen
Classification: Likely benign. Last evaluated: 2022-08-01. Review status: criteria provided, single submitter. Criteria: CeGaT Center For Human Genetics Tuebingen Variant Classification Criteria Version 2. Collection method: clinical testing. Allele origin: germline. Affected: yes. Observed: 1 variant allele.
Comment: VCAN: BP4, BP7

Labcorp Genetics (formerly Invitae), Labcorp
Classification: Likely benign. Last evaluated: 2022-03-09. Review status: criteria provided, single submitter. Criteria: Invitae Variant Classification Sherloc (09022015). Collection method: clinical testing. Allele origin: germline.

Illumina Laboratory Services, Illumina
Classification: Uncertain significance for Vitreoretinopathy. Last evaluated: 2018-01-12. Review status: criteria provided, single submitter. Criteria: ICSL Variant Classification Criteria 13 December 2019. Collection method: clinical testing. Allele origin: germline.

NM_004385.5(VCAN):c.6169A>C (p.Arg2057=)

Genes: VCAN (versican; plus strand), VCAN-AS1 (VCAN antisense RNA 1; minus strand). Cytogenetic location: 5q14.3.
Variant type: single nucleotide variant.
Coding change: c.6169A>C on transcript NM_004385.5 (MANE Select); coding-DNA position 6169, A replaced by C.
Protein change: p.Arg2057=; no amino-acid change (arginine 2057 retained).
Molecular consequence: synonymous variant. On other transcripts: intron variant (2).
Genome position (GRCh38, 1-based): chr5:83,539,172, A>C. VCF-style: chr5-83539172-A-C. GRCh37 (hg19) VCF-style: chr5-82834991-A-C.
Other names: c.3208A>C, p.Arg1070= (NM_001164097.2); c.4004-6365A>C (NM_001164098.2); c.1043-6365A>C (NM_001126336.3).
Identifiers: ClinVar variation 354433 (VCV000354433.38), dbSNP rs886060826, ClinGen allele CA10625303.